The following is an entry in ClinVar:

NM_022482.5(GZF1):c.903GGA[5] (p.Glu306del)

Gene: GZF1 (GDNF inducible zinc finger protein 1; plus strand). Cytogenetic location: 20p11.21.
Variant type: Microsatellite.
Coding change: c.903GGA[5] on transcript NM_022482.5 (MANE Select); five copies in a row of the 3-base unit GGA starting at c.903; the reference has six copies in a row; one copy, 3 bases deleted.
Protein change: p.Glu306del; deletes glutamic acid 306.
Molecular consequence: inframe deletion.
Genome position (GRCh38, 1-based): chr20:23,365,301-23,365,303, GGA deleted; deleting any 3 consecutive bases within chr20:23,365,284-23,365,303 gives the same sequence; the position shown is the placement nearest the transcript's 3' end. VCF-style (leftmost placement, unchanged base first): chr20-23365283-AGAG-A. GRCh37 (hg19) VCF-style: chr20-23345920-AGAG-A.
Other names: c.918_920delGGA (NM_022482.4); c.903GGA[5], p.Glu306del (NM_001317019.1, NM_001317012.2); short protein forms E306del.
Identifiers: ClinVar variation 1599668 (VCV001599668.10), dbSNP rs750609719, ClinGen allele CA9788596.
Genomic context (GRCh38, chr20:23,365,283, plus strand): 5'-GGGTTGCCAGGCAGGTGCTGAGTTGGAGGAATTGTCAAAGAAAGCAGGGCCGGAGGAGGA[AGAG>A]GAGGAGGAGGAGGAGGACGAAGAAGGGGAGAAGAAGAAGAGCAACTTTAAGTGCAGCATT-3'

ClinVar aggregate classification (germline): Benign. Review status: criteria provided, single submitter (1 of 4 stars). 2 submissions from 2 submitters: Benign (1). 1 of the submissions does not count toward it. Last evaluated 2026-01-15.

Conditions:
GZF1-related disorder. Also called: GZF1-related condition.

Submissions (2):

Labcorp Genetics (formerly Invitae), Labcorp
Classification: Benign. Last evaluated: 2026-01-15. Review status: criteria provided, single submitter. Criteria: Invitae Variant Classification Sherloc (09022015). Collection method: clinical testing. Allele origin: germline.

PreventionGenetics, part of Exact Sciences
Classification: Benign for GZF1-related condition. Last evaluated: 2019-05-14. Review status: no assertion criteria provided. Collection method: clinical testing. Allele origin: germline. Not counted in ClinVar's aggregate classification.
Comment: This variant is classified as benign based on ACMG/AMP sequence variant interpretation guidelines (Richards et al. 2015 PMID: 25741868, with internal and published modifications).